The following is an entry in ClinVar:

NM_007254.4(PNKP):c.1230_1231del (p.Glu410fs)

Gene: PNKP (polynucleotide kinase 3'-phosphatase; minus strand). Cytogenetic location: 19q13.33.
Variant type: Microsatellite.
Coding change: c.1230_1231del on transcript NM_007254.4 (MANE Select); coding-DNA positions 1230 to 1231, 2 bases deleted (GA; older notation c.1230_1231delGA).
Protein change: p.Glu410fs; shifts the reading frame from glutamic acid 410.
Molecular consequence: frameshift variant.
Genome position (GRCh38, 1-based): chr19:49,861,839-49,861,840, TC deleted on the plus strand (GA on the coding strand, the reverse complement: PNKP is on the minus strand); deleting any 2 consecutive bases within chr19:49,861,839-49,861,842 gives the same sequence; the c. name uses the placement nearest the transcript's 3' end. VCF-style (leftmost placement, unchanged base first): chr19-49861838-GTC-G. GRCh37 (hg19) VCF-style: chr19-50365095-GTC-G.
Other names: short protein forms E410fs.
Identifiers: ClinVar variation 420393 (VCV000420393.2), dbSNP rs1064794452, ClinGen allele CA16620876.

ClinVar aggregate classification (germline): Likely pathogenic (1 of 4 stars; one submission).

Submission:

GeneDx
Classification: Likely pathogenic. Last evaluated: 2016-10-27. Review status: criteria provided, single submitter. Criteria: GeneDx Variant Classification (06012015). Collection method: clinical testing. Allele origin: germline. Affected: yes.
Comment: The c.1230_1231delGA variant causes a frameshift starting with codon Glutamic acid 410, changes this amino acid to an Aspartic acid residue and creates a premature Stop codon at position 83 of the new reading frame, denoted p.Glu410AspfsX83. This variant is predicted to cause loss of normal protein function through protein truncation, as the last 112 amino acids of the PNKP protein are lost and replaced with 82 incorrect amino acids. Therefore, this variant is a strong candidate for a pathogenic variant, however the possibility that it is a benign variant cannot be excluded.